The following is an entry in ClinVar:

ClinVar aggregate classification (germline): Benign/Likely benign. Review status: criteria provided, multiple submitters, no conflicts (2 of 4 stars). 3 submissions from 3 submitters: Benign (2); Likely benign (1). Last evaluated 2021-06-19.

Conditions:
Pituitary hormone deficiency, combined, 1 (CPHD1). Also called: Pituitary hormone deficiency, combined or isolated, 1. Identifiers: MedGen C2751608, MONDO:0024464, OMIM 613038.

Allele frequency attached by ClinVar (database versions not stated): TOPMed 0.31246; gnomAD 0.33253.
gnomAD v4.1: 240,527 of 652,744 alleles (37%); highest among the groups gnomAD compares: Non-Finnish European, 42%; 46,591 homozygotes.

Submissions (11):

GeneDx
Classification: Benign. Last evaluated: 2021-06-19. Review status: criteria provided, single submitter. Criteria: GeneDx Variant Classification Process June 2021. Collection method: clinical testing. Allele origin: germline. Affected: yes.

Illumina Laboratory Services, Illumina
Classification: Benign for Pituitary hormone deficiency, combined, 1. Last evaluated: 2018-01-12. Review status: criteria provided, single submitter. Criteria: ICSL Variant Classification Criteria 13 December 2019. Collection method: clinical testing. Allele origin: germline.
Comment: This variant was observed in the ICSL laboratory as part of a predisposition screen in an ostensibly healthy population. It had not been previously curated by ICSL or reported in the Human Gene Mutation Database (HGMD: prior to June 1st, 2018), and was therefore a candidate for classification through an automated scoring system. Utilizing variant allele frequency, disease prevalence and penetrance estimates, and inheritance mode, an automated score was calculated to assess if this variant is too frequent to cause the disease. Based on the score and internal cut-off values, a variant classified as benign is not then subjected to further curation. The score for this variant resulted in a classification of benign for this disease.

Breakthrough Genomics
Classification: Likely benign. Review status: criteria provided, single submitter. Criteria: ACMG Guidelines, 2015. Collection method: not provided. Allele origin: germline. Inheritance: Autosomal dominant inheritance. Affected: yes.

Dr. Peter K. Rogan Lab, Western University
No classification provided (evidence only). Condition: Thyroid cancer, nonmedullary, 1. Review status: no classification provided. Collection method: in vitro. Allele origin: not applicable. Functional consequence: retained intron. Not counted in ClinVar's aggregate classification.

Dr. Peter K. Rogan Lab, Western University
No classification provided (evidence only). Condition: Thyroid cancer, nonmedullary, 1. Review status: no classification provided. Collection method: in vitro. Allele origin: not applicable. Functional consequence: retained intron. Not counted in ClinVar's aggregate classification.

Dr. Peter K. Rogan Lab, Western University
No classification provided (evidence only). Condition: Thyroid cancer, nonmedullary, 1. Review status: no classification provided. Collection method: in vitro. Allele origin: not applicable. Functional consequence: retained intron. Not counted in ClinVar's aggregate classification.

Dr. Peter K. Rogan Lab, Western University
No classification provided (evidence only). Condition: Thyroid cancer, nonmedullary, 1. Review status: no classification provided. Collection method: in vitro. Allele origin: not applicable. Functional consequence: retained intron. Not counted in ClinVar's aggregate classification.

Dr. Peter K. Rogan Lab, Western University
No classification provided (evidence only). Condition: Nonpapillary renal cell carcinoma. Review status: no classification provided. Collection method: in vitro. Allele origin: not applicable. Functional consequence: retained intron. Not counted in ClinVar's aggregate classification.

Dr. Peter K. Rogan Lab, Western University
No classification provided (evidence only). Condition: Nonpapillary renal cell carcinoma. Review status: no classification provided. Collection method: in vitro. Allele origin: not applicable. Functional consequence: retained intron. Not counted in ClinVar's aggregate classification.

Dr. Peter K. Rogan Lab, Western University
No classification provided (evidence only). Condition: Nonpapillary renal cell carcinoma. Review status: no classification provided. Collection method: in vitro. Allele origin: not applicable. Functional consequence: retained intron. Not counted in ClinVar's aggregate classification.

Dr. Peter K. Rogan Lab, Western University
No classification provided (evidence only). Condition: Nonpapillary renal cell carcinoma. Review status: no classification provided. Collection method: in vitro. Allele origin: not applicable. Functional consequence: retained intron. Not counted in ClinVar's aggregate classification.

NM_000306.4(POU1F1):c.*140A>T

Gene: POU1F1 (POU class 1 homeobox 1; minus strand). Cytogenetic location: 3p11.2.
Variant type: single nucleotide variant.
Coding change: c.*140A>T on transcript NM_000306.4 (MANE Select); 140 bases downstream of the stop codon, A replaced by T.
Molecular consequence: 3 prime UTR variant.
Genome position (GRCh38, 1-based): chr3:87,259,754, T>A on the plus strand (A>T on the coding strand, the complement: POU1F1 is on the minus strand). VCF-style: chr3-87259754-T-A. GRCh37 (hg19) VCF-style: chr3-87308904-T-A.
Other names: c.*140A>T (NM_001122757.3).
Identifiers: ClinVar variation 346833 (VCV000346833.10), dbSNP rs33936108, ClinGen allele CA10616753.
Genomic context (GRCh38, chr3:87,259,754, plus strand): 5'-GAGAATAATTATTTTAAGTAAATAACATCAATATAATTTAAATTGTTGGTTTCTTTTTTT[T>A]AAAAAAAAGTGGAAAAGTAAAGCTTCTGTAAAAGCTATTGATATAAAATGATTTTAAGTC-3'